The following is an entry in ClinVar:

NM_001853.4(COL9A3):c.1165G>A (p.Ala389Thr)

Gene: COL9A3 (collagen type IX alpha 3 chain; plus strand). Cytogenetic location: 20q13.33.
Variant type: single nucleotide variant.
Coding change: c.1165G>A on transcript NM_001853.4 (MANE Select); coding-DNA position 1165, G replaced by A.
Protein change: p.Ala389Thr; replaces alanine 389 with threonine.
Molecular consequence: missense variant.
Genome position (GRCh38, 1-based): chr20:62,830,363, G>A. VCF-style: chr20-62830363-G-A. GRCh37 (hg19) VCF-style: chr20-61461715-G-A.
Other names: short protein forms A389T.
Identifiers: ClinVar variation 1483113 (VCV001483113.6), dbSNP rs981925850, ClinGen allele CA317334688.

ClinVar aggregate classification (germline): Uncertain significance (1 of 4 stars; one submission).

Allele frequency attached by ClinVar (database versions not stated): TOPMed below 0.00001; gnomAD 0.00001; gnomAD exomes 0.00001.
gnomAD v4.1: 11 of 1,571,024 alleles (0.0007%); highest among the groups gnomAD compares: East Asian, 0.007%; no homozygotes.

Submission:

Labcorp Genetics (formerly Invitae), Labcorp
Classification: Uncertain significance. Last evaluated: 2025-05-14. Review status: criteria provided, single submitter. Criteria: Invitae Variant Classification Sherloc (09022015). Collection method: clinical testing. Allele origin: germline.
Comment: This sequence change replaces alanine, which is neutral and non-polar, with threonine, which is neutral and polar, at codon 389 of the COL9A3 protein (p.Ala389Thr). The frequency data for this variant in the population databases is considered unreliable, as metrics indicate poor data quality at this position in the gnomAD database. This variant has not been reported in the literature in individuals affected with COL9A3-related conditions. ClinVar contains an entry for this variant (Variation ID: 1483113). Invitae Evidence Modeling of protein sequence and biophysical properties (such as structural, functional, and spatial information, amino acid conservation, physicochemical variation, residue mobility, and thermodynamic stability) indicates that this missense variant is not expected to disrupt COL9A3 protein function with a negative predictive value of 95%. In summary, the available evidence is currently insufficient to determine the role of this variant in disease. Therefore, it has been classified as a Variant of Uncertain Significance.